The following is an entry in ClinVar:

ClinVar aggregate classification (germline): Conflicting classifications of pathogenicity. Review status: criteria provided, conflicting classifications (1 of 4 stars). 5 submissions from 5 submitters: Uncertain significance (4); Likely benign (1). Last evaluated 2025-05-05.

Conditions:
Inborn genetic diseases. Identifiers: MedGen C0950123, MeSH D030342.
Mitochondrial complex III deficiency nuclear type 2. Identifiers: MedGen C3554605, MONDO:0014063, OMIM 615157.

Allele frequency attached by ClinVar (database versions not stated): TOPMed 0.00010; gnomAD 0.00011 and 0.00012; ExAC 0.00013; ESP Exome Variant Server 0.00015; gnomAD exomes 0.00016.
gnomAD v4.1: 151 of 1,613,876 alleles (0.0094%); highest among the groups gnomAD compares: Non-Finnish European, 0.0026%; no homozygotes.

Submissions (5):

Mayo Clinic Laboratories, Mayo Clinic
Classification: Uncertain significance. Last evaluated: 2025-05-05. Review status: criteria provided, single submitter. Criteria: ACMG Guidelines, 2015. Collection method: clinical testing. Allele origin: germline. Observed: 1 variant allele.
Comment: BS1, PP3

Labcorp Genetics (formerly Invitae), Labcorp
Classification: Likely benign. Last evaluated: 2025-01-13. Review status: criteria provided, single submitter. Criteria: Invitae Variant Classification Sherloc (09022015). Collection method: clinical testing. Allele origin: germline.

GeneDx
Classification: Uncertain significance. Last evaluated: 2022-10-13. Review status: criteria provided, single submitter. Criteria: GeneDx Variant Classification Process June 2021. Collection method: clinical testing. Allele origin: germline. Affected: yes.
Comment: In silico analysis supports that this missense variant has a deleterious effect on protein structure/function; Has not been previously published as pathogenic or benign to our knowledge

Ambry Genetics
Classification: Uncertain significance for Inborn genetic diseases. Last evaluated: 2021-02-10. Review status: criteria provided, single submitter. Criteria: Ambry Variant Classification Scheme 2023. Collection method: clinical testing. Allele origin: germline.
Comment: The c.1076T>C (p.M359T) alteration is located in exon 8 (coding exon 8) of the TTC19 gene. This alteration results from a T to C substitution at nucleotide position 1076, causing the methionine (M) at amino acid position 359 to be replaced by a threonine (T). The in silico prediction for the p.M359T alteration is inconclusive. Based on insufficient or conflicting evidence, the clinical significance of this alteration remains unclear.

Illumina Laboratory Services, Illumina
Classification: Uncertain significance for Mitochondrial complex III deficiency nuclear type 2. Last evaluated: 2018-01-13. Review status: criteria provided, single submitter. Criteria: ICSL Variant Classification Criteria 13 December 2019. Collection method: clinical testing. Allele origin: germline.

NM_017775.4(TTC19):c.713T>C (p.Met238Thr)

Gene: TTC19 (tetratricopeptide repeat domain 19; plus strand). Cytogenetic location: 17p12.
Variant type: single nucleotide variant.
Coding change: c.713T>C on transcript NM_017775.4 (MANE Select); coding-DNA position 713, T replaced by C.
Protein change: p.Met238Thr; replaces methionine 238 with threonine.
Molecular consequence: missense variant.
Genome position (GRCh38, 1-based): chr17:16,025,053, T>C. VCF-style: chr17-16025053-T-C. GRCh37 (hg19) VCF-style: chr17-15928367-T-C.
Other names: p.Met238Thr; c.1076T>C (NM_017775.2); c.392T>C, p.Met131Thr (NM_001271420.2); short protein forms M131T, M238T.
Identifiers: ClinVar variation 889258 (VCV000889258.14), dbSNP rs140719848, ClinGen allele CA8407504.